The following is an entry in ClinVar:

ClinVar aggregate classification (germline): Uncertain significance (1 of 4 stars; one submission).

Conditions:
Hereditary cancer-predisposing syndrome. Also called: Neoplastic Syndromes, Hereditary; Tumor predisposition; Hereditary Cancer Syndrome; Hereditary neoplastic syndrome. Identifiers: Orphanet 140162, MedGen C0027672, MeSH D009386, MONDO:0015356.

Submission:

Ambry Genetics
Classification: Uncertain significance for Hereditary cancer-predisposing syndrome. Last evaluated: 2024-12-07. Review status: criteria provided, single submitter. Criteria: Ambry Variant Classification Scheme 2023. Collection method: clinical testing. Allele origin: germline.
Comment: The p.M388R variant (also known as c.1163T>G), located in coding exon 9 of the POLD1 gene, results from a T to G substitution at nucleotide position 1163. The methionine at codon 388 is replaced by arginine, an amino acid with similar properties. This amino acid position is conserved. In addition, this alteration is predicted to be tolerated by in silico analysis. Based on the available evidence, the clinical significance of this variant remains unclear.

NM_002691.4(POLD1):c.1163T>G (p.Met388Arg)

Gene: POLD1 (DNA polymerase delta 1, catalytic subunit; plus strand). Cytogenetic location: 19q13.33.
Variant type: single nucleotide variant.
Coding change: c.1163T>G on transcript NM_002691.4 (MANE Select); coding-DNA position 1163, T replaced by G.
Protein change: p.Met388Arg; replaces methionine 388 with arginine.
Molecular consequence: missense variant. On other transcripts: non-coding transcript variant (1).
Genome position (GRCh38, 1-based): chr19:50,403,518, T>G. VCF-style: chr19-50403518-T-G. GRCh37 (hg19) VCF-style: chr19-50906775-T-G.
Other names: c.1163T>G, p.Met388Arg (NM_001256849.1, NM_001308632.1); short protein forms M388R.
Identifiers: ClinVar variation 3422019 (VCV003422019.1).